The following is an entry in ClinVar:

ClinVar aggregate classification (germline): Uncertain significance. Review status: criteria provided, multiple submitters, no conflicts (2 of 4 stars). 2 submissions from 2 submitters: Uncertain significance (2). Last evaluated 2025-11-06.

Conditions:
Inborn genetic diseases. Identifiers: MedGen C0950123, MeSH D030342.

Submissions (2):

Ambry Genetics
Classification: Uncertain significance for Inborn genetic diseases. Last evaluated: 2025-11-06. Review status: criteria provided, single submitter. Criteria: Ambry Variant Classification Scheme 2023. Collection method: clinical testing. Allele origin: germline.

GeneDx
Classification: Uncertain significance. Last evaluated: 2021-01-29. Review status: criteria provided, single submitter. Criteria: GeneDx Variant Classification Process June 2021. Collection method: clinical testing. Allele origin: germline. Affected: yes.
Comment: Not observed in large population cohorts (Lek et al., 2016); In silico analysis supports that this missense variant has a deleterious effect on protein structure/function; Has not been previously published as pathogenic or benign to our knowledge

NM_207034.3(EDN3):c.410G>A (p.Arg137Gln)

Gene: EDN3 (endothelin 3; plus strand). Cytogenetic location: 20q13.32.
Variant type: single nucleotide variant.
Coding change: c.410G>A on transcript NM_207034.3 (MANE Select); coding-DNA position 410, G replaced by A.
Protein change: p.Arg137Gln; replaces arginine 137 with glutamine.
Molecular consequence: missense variant.
Genome position (GRCh38, 1-based): chr20:59,321,061, G>A. VCF-style: chr20-59321061-G-A. GRCh37 (hg19) VCF-style: chr20-57896116-G-A.
Other names: c.410G>A, p.Arg137Gln (NM_001302455.2, NM_001302456.2, NM_207032.3 and 1 more transcripts); short protein forms R137Q.
Identifiers: ClinVar variation 1314082 (VCV001314082.3), dbSNP rs779352707, ClinGen allele CA9930369.